The following is an entry in ClinVar:

ClinVar aggregate classification (germline): Uncertain significance (1 of 4 stars; one submission).

Submission:

Labcorp Genetics (formerly Invitae), Labcorp
Classification: Uncertain significance. Last evaluated: 2020-12-19. Review status: criteria provided, single submitter. Criteria: Invitae Variant Classification Sherloc (09022015). Collection method: clinical testing. Allele origin: germline.
Comment: This sequence change replaces histidine with proline at codon 3332 of the FRAS1 protein (p.His3332Pro). The histidine residue is highly conserved and there is a moderate physicochemical difference between histidine and proline. This variant is not present in population databases (ExAC no frequency). This variant has not been reported in the literature in individuals with FRAS1-related conditions. Algorithms developed to predict the effect of missense changes on protein structure and function (SIFT, PolyPhen-2, Align-GVGD) all suggest that this variant is likely to be disruptive, but these predictions have not been confirmed by published functional studies and their clinical significance is uncertain. In summary, the available evidence is currently insufficient to determine the role of this variant in disease. Therefore, it has been classified as a Variant of Uncertain Significance.

NM_025074.7(FRAS1):c.9995A>C (p.His3332Pro)

Gene: FRAS1 (Fraser extracellular matrix complex subunit 1; plus strand). Cytogenetic location: 4q21.21.
Variant type: single nucleotide variant.
Coding change: c.9995A>C on transcript NM_025074.7 (MANE Select); coding-DNA position 9995, A replaced by C.
Protein change: p.His3332Pro; replaces histidine 3332 with proline.
Molecular consequence: missense variant.
Genome position (GRCh38, 1-based): chr4:78,511,488, A>C. VCF-style: chr4-78511488-A-C. GRCh37 (hg19) VCF-style: chr4-79432642-A-C.
Other names: short protein forms H3332P.
Identifiers: ClinVar variation 1508110 (VCV001508110.8), dbSNP rs2109884681, ClinGen allele CA357382902.